The following is an entry in ClinVar:

ClinVar aggregate classification (germline): Likely benign. Review status: criteria provided, multiple submitters, no conflicts (2 of 4 stars). 2 submissions from 2 submitters: Likely benign (2). Last evaluated 2018-06-16.

Allele frequency attached by ClinVar (database versions not stated): gnomAD 0.01914 and 0.02137; gnomAD exomes 0.02161; TOPMed 0.02738; 1000 Genomes Project 30x 0.05340; 1000 Genomes Project 0.05351.
gnomAD v4.1: 13,383 of 620,166 alleles (2.2%); highest among the groups gnomAD compares: East Asian, 18%; 823 homozygotes.

Submissions (2):

GeneDx
Classification: Likely benign. Last evaluated: 2018-06-16. Review status: criteria provided, single submitter. Criteria: GeneDx Variant Classification (06012015). Collection method: clinical testing. Allele origin: germline. Affected: yes.
Comment: This variant is considered likely benign or benign based on one or more of the following criteria: it is a conservative change, it occurs at a poorly conserved position in the protein, it is predicted to be benign by multiple in silico algorithms, and/or has population frequency not consistent with disease.

Breakthrough Genomics
Classification: Likely benign. Review status: criteria provided, single submitter. Criteria: ACMG Guidelines, 2015. Collection method: not provided. Allele origin: germline. Inheritance: Autosomal recessive inheritance. Affected: yes.

NM_006767.4(LZTR1):c.791+186C>T

Gene: LZTR1 (leucine zipper like post translational regulator 1; plus strand). Cytogenetic location: 22q11.21.
Variant type: single nucleotide variant.
Coding change: c.791+186C>T on transcript NM_006767.4 (MANE Select); 186 bases into the intron after coding-DNA position 791, C replaced by T.
Molecular consequence: intron variant.
Genome position (GRCh38, 1-based): chr22:20,990,711, C>T. VCF-style: chr22-20990711-C-T. GRCh37 (hg19) VCF-style: chr22-21345000-C-T.
Identifiers: ClinVar variation 561664 (VCV000561664.2), dbSNP rs58324299, ClinGen allele CA322326442.